The following is an entry in ClinVar:

ClinVar aggregate classification (germline): Uncertain significance (1 of 4 stars; one submission).

gnomAD v4.1: 3 of 1,614,128 alleles (0.00019%); highest among the groups gnomAD compares: African/African-American, 0.004%; no homozygotes.

Submission:

Mayo Clinic Laboratories, Mayo Clinic
Classification: Uncertain significance. Last evaluated: 2025-01-16. Review status: criteria provided, single submitter. Criteria: ACMG Guidelines, 2015. Collection method: clinical testing. Allele origin: germline. Observed: 1 variant allele.
Comment: BP4, PM2_supporting

NM_001363711.2(DUOX2):c.1328A>G (p.Gln443Arg)

Gene: DUOX2 (dual oxidase 2; minus strand). Cytogenetic location: 15q21.1.
Variant type: single nucleotide variant.
Coding change: c.1328A>G on transcript NM_001363711.2 (MANE Select); coding-DNA position 1328, A replaced by G.
Protein change: p.Gln443Arg; replaces glutamine 443 with arginine.
Molecular consequence: missense variant.
Genome position (GRCh38, 1-based): chr15:45,108,859, T>C on the plus strand (A>G on the coding strand, the complement: DUOX2 is on the minus strand). VCF-style: chr15-45108859-T-C. GRCh37 (hg19) VCF-style: chr15-45401057-T-C.
Other names: p.Gln443Arg; c.1328A>G, p.Gln443Arg (NM_014080.5); short protein forms Q443R.
Identifiers: ClinVar variation 4541943 (VCV004541943.1).
Genomic context (GRCh38, chr15:45,108,859, plus strand): 5'-ACATTAGGGTTGAGATCACTCCAGTTCCTTGGGATGTCCAGCCCAAAGGCCAGCAGGGCC[T>C]GGCTATAGCTGGGCAGCCCCATATCTCGGCCACGTTGGATGCTGCTGGCCACATAGTCTG-3'
Protein context (NP_001350640.1, residues 433-453): GRDMGLPSYS[Gln443Arg]ALLAFGLDIP